The following is an entry in ClinVar:

ClinVar aggregate classification (germline): Uncertain significance. Review status: criteria provided, multiple submitters, no conflicts (2 of 4 stars). 2 submissions from 2 submitters: Uncertain significance (2). Last evaluated 2025-09-01.

Conditions:
Hereditary sensory and autonomic neuropathy type 1 (HSAN1). Also called: HSAN 1; Hereditary Sensory Neuropathy Type I; HSN Type I. Identifiers: Orphanet 36386, MedGen C0020071, MONDO:0018213.

gnomAD v4.1: 1 of 1,614,136 alleles (0.000062%); highest among the groups gnomAD compares: Non-Finnish European, 0.000085%; no homozygotes.

Submissions (2):

Labcorp Genetics (formerly Invitae), Labcorp
Classification: Uncertain significance for Hereditary sensory and autonomic neuropathy type 1. Last evaluated: 2025-09-01. Review status: criteria provided, single submitter. Criteria: Invitae Variant Classification Sherloc (09022015). Collection method: clinical testing. Allele origin: germline.
Comment: This sequence change replaces alanine, which is neutral and non-polar, with proline, which is neutral and non-polar, at codon 104 of the SPTLC1 protein (p.Ala104Pro). This variant is not present in population databases (gnomAD no frequency). This variant has not been reported in the literature in individuals affected with SPTLC1-related conditions. ClinVar contains an entry for this variant (Variation ID: 450776). Invitae Evidence Modeling of protein sequence and biophysical properties (such as structural, functional, and spatial information, amino acid conservation, physicochemical variation, residue mobility, and thermodynamic stability) indicates that this missense variant is expected to disrupt SPTLC1 protein function with a positive predictive value of 80%. Algorithms developed to predict the effect of sequence changes on RNA splicing suggest that this variant may disrupt the consensus splice site. In summary, the available evidence is currently insufficient to determine the role of this variant in disease. Therefore, it has been classified as a Variant of Uncertain Significance.

GeneDx
Classification: Uncertain significance. Last evaluated: 2017-07-21. Review status: criteria provided, single submitter. Criteria: GeneDx Variant Classification (06012015). Collection method: clinical testing. Allele origin: germline. Affected: yes.
Comment: A variant of uncertain significance has been identified in the SPTLC1 gene. The A104P variant has not been published as a pathogenic variant, nor has it been reported as a benign variant to our knowledge. The A104P variant is not observed in large population cohorts (Lek et al., 2016; 1000 Genomes Consortium et al., 2015; Exome Variant Server). The A104P variant is a semi-conservative amino acid substitution, which may impact secondary protein structure as these residues differ in some properties. This substitution occurs at a position that is conserved across species and in silico analysis predicts this variant is probably damaging to the protein structure/function. However, missense variants in nearby residues have not been reported in Human Gene Mutation Database in association with SPTLC1-related disorders (Stenson et al., 2014). Therefore, based on the currently available information, it is unclear whether this variant is a pathogenic variant or a rare benign variant.

NM_006415.4(SPTLC1):c.310G>C (p.Ala104Pro)

Gene: SPTLC1 (serine palmitoyltransferase long chain base subunit 1; minus strand). Cytogenetic location: 9q22.31.
Variant type: single nucleotide variant.
Coding change: c.310G>C on transcript NM_006415.4 (MANE Select); coding-DNA position 310, G replaced by C.
Protein change: p.Ala104Pro; replaces alanine 104 with proline.
Molecular consequence: missense variant. On other transcripts: 5 prime UTR variant (2).
Genome position (GRCh38, 1-based): chr9:92,080,914, C>G on the plus strand (G>C on the coding strand, the complement: SPTLC1 is on the minus strand). VCF-style: chr9-92080914-C-G. GRCh37 (hg19) VCF-style: chr9-94843196-C-G.
Other names: c.310G>C (LRG_272t1); c.310G>C, p.Ala104Pro (NM_001281303.2, NM_178324.3); c.-190G>C (NM_001368272.1); c.-156G>C (NM_001368273.1); short protein forms A104P.
Identifiers: ClinVar variation 450776 (VCV000450776.4), dbSNP rs143232538, ClinGen allele CA373788784.